The following is an entry in ClinVar:

ClinVar aggregate classification (germline): Pathogenic (1 of 4 stars; one submission).

Conditions:
Ataxia-telangiectasia syndrome (AT). Also called: Ataxia telangiectasia (A-T); ATAXIA-TELANGIECTASIA, COMPLEMENTATION GROUP A; ATAXIA-TELANGIECTASIA, FRESNO VARIANT; Ataxia-telangiectasia; Ataxia-telangiectasia, complementation group E; LOUIS-BAR SYNDROME. Identifiers: Orphanet 100, MedGen C0004135, MONDO:0008840, OMIM 208900.

Allele frequency attached by ClinVar (database versions not stated): gnomAD exomes below 0.00001.
gnomAD v4.1: 1 of 1,611,800 alleles (0.000062%); highest among the groups gnomAD compares: South Asian, 0.0011%; no homozygotes.

Submission:

Labcorp Genetics (formerly Invitae), Labcorp
Classification: Pathogenic for Ataxia-telangiectasia syndrome. Last evaluated: 2025-02-27. Review status: criteria provided, single submitter. Criteria: Invitae Variant Classification Sherloc (09022015). Collection method: clinical testing. Allele origin: germline.
Comment: This sequence change creates a premature translational stop signal (p.Leu2659*) in the ATM gene. It is expected to result in an absent or disrupted protein product. Loss-of-function variants in ATM are known to be pathogenic (PMID: 23807571, 25614872). This variant is not present in population databases (gnomAD no frequency). This variant has not been reported in the literature in individuals affected with ATM-related conditions. ClinVar contains an entry for this variant (Variation ID: 1075825). Algorithms developed to predict the effect of sequence changes on RNA splicing suggest that this variant may disrupt the consensus splice site. For these reasons, this variant has been classified as Pathogenic.

Literature cited by the submitters: PubMed 23807571; PubMed 25614872.

NM_000051.4(ATM):c.7976T>G (p.Leu2659Ter)

Genes: ATM (ATM serine/threonine kinase; plus strand), C11orf65 (chromosome 11 open reading frame 65; minus strand). Cytogenetic location: 11q22.3.
Variant type: single nucleotide variant.
Coding change: c.7976T>G on transcript NM_000051.4 (MANE Select); coding-DNA position 7976, T replaced by G.
Protein change: p.Leu2659Ter; replaces leucine 2659 with a stop codon.
Molecular consequence: nonsense. On other transcripts: intron variant (2).
Genome position (GRCh38, 1-based): chr11:108,333,934, T>G. VCF-style: chr11-108333934-T-G. GRCh37 (hg19) VCF-style: chr11-108204661-T-G.
Other names: c.7976T>G, p.Leu2659Ter (NM_001351834.2); c.641-24863A>C (NM_001330368.2); c.*38+1286A>C (NM_001351110.2); short protein forms L2659*.
Identifiers: ClinVar variation 1075825 (VCV001075825.7), dbSNP rs1565538536, ClinGen allele CA382561748.